The following is an entry in ClinVar:

NM_144670.6(A2ML1):c.3886G>A (p.Gly1296Arg)

Gene: A2ML1 (alpha-2-macroglobulin like 1; plus strand). Cytogenetic location: 12p13.31.
Variant type: single nucleotide variant.
Coding change: c.3886G>A on transcript NM_144670.6 (MANE Select); coding-DNA position 3886, G replaced by A.
Protein change: p.Gly1296Arg; replaces glycine 1296 with arginine.
Molecular consequence: missense variant.
Genome position (GRCh38, 1-based): chr12:8,868,010, G>A. VCF-style: chr12-8868010-G-A. GRCh37 (hg19) VCF-style: chr12-9020606-G-A.
Other names: c.2413G>A, p.Gly805Arg (NM_001282424.3); short protein forms G1296R, G805R.
Identifiers: ClinVar variation 1098817 (VCV001098817.1), dbSNP rs760857113, ClinGen allele CA6436504.

ClinVar aggregate classification (germline): Uncertain significance (1 of 4 stars; one submission).

Allele frequency attached by ClinVar (database versions not stated): gnomAD exomes below 0.00001; ExAC 0.00001.
gnomAD v4.1: 3 of 1,614,250 alleles (0.00019%); highest among the groups gnomAD compares: East Asian, 0.0045%; no homozygotes.

Submission:

Women's Health and Genetics/Laboratory Corporation of America, LabCorp
Classification: Uncertain significance. Last evaluated: 2021-04-20. Review status: criteria provided, single submitter. Criteria: LabCorp Variant Classification Summary - May 2015. Collection method: clinical testing. Allele origin: germline.
Comment: Variant summary: A2ML1 c.3886G>A (p.Gly1296Arg) results in a non-conservative amino acid change in the encoded protein sequence. Four of five in-silico tools predict a damaging effect of the variant on protein function. The variant allele was found at a frequency of 8e-06 in 249400 control chromosomes. The available data on variant occurrences in the general population are insufficient to allow any conclusion about variant significance. To our knowledge, no occurrence of c.3886G>A in individuals affected with Noonan Syndrome and no experimental evidence demonstrating its impact on protein function have been reported. No clinical diagnostic laboratories have submitted clinical-significance assessments for this variant to ClinVar after 2014. Based on the evidence outlined above, the variant was classified as uncertain significance.